The following is an entry in ClinVar:

NM_003664.5(AP3B1):c.2310C>T (p.Asp770=)

Gene: AP3B1 (adaptor related protein complex 3 subunit beta 1; minus strand). Cytogenetic location: 5q14.1.
Variant type: single nucleotide variant.
Coding change: c.2310C>T on transcript NM_003664.5 (MANE Select); coding-DNA position 2310, C replaced by T.
Protein change: p.Asp770=; no amino-acid change (aspartic acid 770 retained).
Molecular consequence: synonymous variant.
Genome position (GRCh38, 1-based): chr5:78,110,294, G>A on the plus strand (C>T on the coding strand, the complement: AP3B1 is on the minus strand). VCF-style: chr5-78110294-G-A. GRCh37 (hg19) VCF-style: chr5-77406118-G-A.
Other names: c.2163C>T, p.Asp721= (NM_001271769.2).
Identifiers: ClinVar variation 464883 (VCV000464883.20), dbSNP rs142938290, ClinGen allele CA3316809.

ClinVar aggregate classification (germline): Conflicting classifications of pathogenicity. Review status: criteria provided, conflicting classifications (1 of 4 stars). 5 submissions from 5 submitters: Uncertain significance (1); Likely benign (3). 1 of the submissions does not count toward it. Last evaluated 2026-01-27.

Conditions:
Hermansky-Pudlak syndrome 2 (HPS2). Also called: Platelet defects and oculocutaneous albinism. Identifiers: Orphanet 183678, Orphanet 79430, MedGen C1842362, MONDO:0011997, OMIM 608233.
AP3B1-related disorder. Also called: AP3B1-related condition.

Allele frequency attached by ClinVar (database versions not stated): 1000 Genomes Project 0.00020; gnomAD exomes 0.00022 and 0.00028; ESP Exome Variant Server 0.00023; TOPMed 0.00023; gnomAD 0.00024 and 0.00025; ExAC 0.00026; 1000 Genomes Project 30x 0.00031.
gnomAD v4.1: 444 of 1,607,086 alleles (0.028%); highest among the groups gnomAD compares: Non-Finnish European, 0.032%; no homozygotes.

Submissions (5):

Labcorp Genetics (formerly Invitae), Labcorp
Classification: Likely benign for Hermansky-Pudlak syndrome 2. Last evaluated: 2026-01-27. Review status: criteria provided, single submitter. Criteria: Invitae Variant Classification Sherloc (09022015). Collection method: clinical testing. Allele origin: germline.

Women's Health and Genetics/Laboratory Corporation of America, LabCorp
Classification: Likely benign. Last evaluated: 2024-08-27. Review status: criteria provided, single submitter. Criteria: LabCorp Variant Classification Summary - May 2015. Collection method: clinical testing. Allele origin: germline.

Blueprint Genetics
Classification: Likely benign. Last evaluated: 2024-08-08. Review status: criteria provided, single submitter. Criteria: ACMG Guidelines, 2015. Collection method: clinical testing. Allele origin: germline.

Illumina Laboratory Services, Illumina
Classification: Uncertain significance for Hermansky-Pudlak syndrome 2. Last evaluated: 2018-01-13. Review status: criteria provided, single submitter. Criteria: ICSL Variant Classification Criteria 13 December 2019. Collection method: clinical testing. Allele origin: germline.

PreventionGenetics, part of Exact Sciences
Classification: Likely benign for AP3B1-related condition. Last evaluated: 2024-02-01. Review status: no assertion criteria provided. Collection method: clinical testing. Allele origin: germline. Not counted in ClinVar's aggregate classification.
Comment: This variant is classified as likely benign based on ACMG/AMP sequence variant interpretation guidelines (Richards et al. 2015 PMID: 25741868, with internal and published modifications).